The following is an entry in ClinVar:

ClinVar aggregate classification (germline): Likely benign (0 of 4 stars; one submission).

Conditions:
KSR2-related disorder. Also called: KSR2-related condition.

Submission:

PreventionGenetics, part of Exact Sciences
Classification: Likely benign for KSR2-related condition. Last evaluated: 2022-04-26. Review status: no assertion criteria provided. Collection method: clinical testing. Allele origin: germline.
Comment: This variant is classified as likely benign based on ACMG/AMP sequence variant interpretation guidelines (Richards et al. 2015 PMID: 25741868, with internal and published modifications).

NM_173598.6(KSR2):c.986+6T>C

Gene: KSR2 (kinase suppressor of ras 2; minus strand). Cytogenetic location: 12q24.23.
Variant type: single nucleotide variant.
Coding change: c.986+6T>C on transcript NM_173598.6 (MANE Select); 6 bases into the intron after coding-DNA position 986, T replaced by C.
Molecular consequence: intron variant.
Genome position (GRCh38, 1-based): chr12:117,761,005, A>G on the plus strand (T>C on the coding strand, the complement: KSR2 is on the minus strand). VCF-style: chr12-117761005-A-G. GRCh37 (hg19) VCF-style: chr12-118198810-A-G.
Identifiers: ClinVar variation 3357329 (VCV003357329.1).